The following is an entry in ClinVar:

NM_172351.3(CD46):c.839T>C (p.Val280Ala)

Gene: CD46 (CD46 molecule; plus strand). Cytogenetic location: 1q32.2.
Variant type: single nucleotide variant.
Coding change: c.839T>C on transcript NM_172351.3 (MANE Select); coding-DNA position 839, T replaced by C.
Protein change: p.Val280Ala; replaces valine 280 with alanine.
Molecular consequence: missense variant.
Genome position (GRCh38, 1-based): chr1:207,767,178, T>C. VCF-style: chr1-207767178-T-C. GRCh37 (hg19) VCF-style: chr1-207940523-T-C.
Other names: c.839T>C, p.Val280Ala (NM_002389.4, NM_153826.4, NM_172350.3 and 8 more transcripts); short protein forms V280A.
Identifiers: ClinVar variation 4291189 (VCV004291189.1).

ClinVar aggregate classification (germline): Uncertain significance (1 of 4 stars; one submission).

Conditions:
Atypical hemolytic-uremic syndrome. Identifiers: Orphanet 2134, MedGen C2931788, MONDO:0016244.

Submission:

Genomenon, Inc
Classification: Uncertain significance for Atypical hemolytic-uremic syndrome. Last evaluated: 2025-10-02. Review status: criteria provided, single submitter. Criteria: Genomenon Sequence Variant Interpretation Standards. Collection method: curation. Allele origin: germline. Affected: no.
Comment: CD46 p.Val280Ala (c.839T>C) is a missense variant that changes the amino acid at residue 280 from Valine to Alanine. This variant has been reported in the published literature (PMID:10960475). It is absent or not present at a significant frequency in gnomAD. In silico models agree that this variant is not damaging. In conclusion, we classify CD46 p.Val280Ala (c.839T>C) as a variant of uncertain significance.

Literature cited by the submitters: PubMed 10960475.